The following is an entry in ClinVar:

ClinVar aggregate classification (germline): Benign/Likely benign. Review status: criteria provided, multiple submitters, no conflicts (2 of 4 stars). 5 submissions from 5 submitters: Benign (3); Likely benign (1). 1 of the submissions does not count toward it. Last evaluated 2026-02-02.

Conditions:
DST-related disorder. Also called: DST-related condition; DST-related disorders.
Epidermolysis bullosa simplex 3, localized or generalized intermediate, with BP230 deficiency (EBS3). Also called: Epidermolysis bullosa simplex, autosomal recessive 2; Epidermolysis bullosa simplex due to BP230 deficiency. Identifiers: Orphanet 412181, MedGen C3809470, MONDO:0014180, OMIM 615425.
Hereditary sensory and autonomic neuropathy type 6. Also called: HSAN VI; Neuropathy, hereditary sensory and autonomic, type VI. Identifiers: Orphanet 314381, MedGen C3539003, MONDO:0013839, OMIM 614653.

Allele frequency attached by ClinVar (database versions not stated): gnomAD exomes 0.00244 and 0.00616; ExAC 0.00709; gnomAD 0.02241 and 0.02397; 1000 Genomes Project 30x 0.02452; TOPMed 0.02529; 1000 Genomes Project 0.02556; ESP Exome Variant Server 0.02668.
gnomAD v4.1: 7,089 of 1,613,758 alleles (0.44%); highest among the groups gnomAD compares: African/African-American, 7.8%; 224 homozygotes.

Submissions (5):

Labcorp Genetics (formerly Invitae), Labcorp
Classification: Benign for Epidermolysis bullosa simplex 3, localized or generalized intermediate, with BP230 deficiency; Hereditary sensory and autonomic neuropathy type 6. Last evaluated: 2026-02-02. Review status: criteria provided, single submitter. Criteria: Invitae Variant Classification Sherloc (09022015). Collection method: clinical testing. Allele origin: germline.

GeneDx
Classification: Benign. Last evaluated: 2021-04-29. Review status: criteria provided, single submitter. Criteria: GeneDx Variant Classification Process June 2021. Collection method: clinical testing. Allele origin: germline. Affected: yes.

Mayo Clinic Laboratories, Mayo Clinic
Classification: Benign. Last evaluated: 2016-05-13. Review status: criteria provided, single submitter. Criteria: ACMG Guidelines, 2015. Collection method: clinical testing. Allele origin: germline. Observed: 17 variant alleles.

Breakthrough Genomics
Classification: Likely benign. Review status: criteria provided, single submitter. Criteria: ACMG Guidelines, 2015. Collection method: not provided. Allele origin: germline. Inheritance: Autosomal recessive inheritance. Affected: yes.

PreventionGenetics, part of Exact Sciences
Classification: Benign for DST-related condition. Last evaluated: 2019-09-24. Review status: no assertion criteria provided. Collection method: clinical testing. Allele origin: germline. Not counted in ClinVar's aggregate classification.
Comment: This variant is classified as benign based on ACMG/AMP sequence variant interpretation guidelines (Richards et al. 2015 PMID: 25741868, with internal and published modifications).

NM_001374736.1(DST):c.4590T>G (p.Asn1530Lys)

Gene: DST (dystonin; minus strand). Cytogenetic location: 6p12.1.
Variant type: single nucleotide variant.
Coding change: c.4590T>G on transcript NM_001374736.1 (MANE Select); coding-DNA position 4590, T replaced by G.
Protein change: p.Asn1530Lys; replaces asparagine 1530 with lysine.
Molecular consequence: missense variant.
Genome position (GRCh38, 1-based): chr6:56,628,047, A>C on the plus strand (T>G on the coding strand, the complement: DST is on the minus strand). VCF-style: chr6-56628047-A-C. GRCh37 (hg19) VCF-style: chr6-56492845-A-C.
Other names: p.Asn993Lys; c.4491T>G, p.Asn1497Lys (NM_001144769.5); c.4077T>G, p.Asn1359Lys (NM_001144770.2); c.4590T>G, p.Asn1530Lys (NM_001374722.1); c.3957T>G, p.Asn1319Lys (NM_001374729.1, NM_001374730.1, NM_001386100.1 and 1 more transcripts); c.4617T>G, p.Asn1539Lys (NM_001374734.1); c.2979T>G, p.Asn993Lys (NM_001723.7, NM_015548.5); short protein forms N993K, N1359K, N1497K, N1319K, N1530K, N1539K.
Identifiers: ClinVar variation 357595 (VCV000357595.21), dbSNP rs35014998, ClinGen allele CA3870863.